The following is an entry in ClinVar:

NM_014003.4(DHX38):c.982A>G (p.Met328Val)

Gene: DHX38 (DEAH-box helicase 38; plus strand). Cytogenetic location: 16q22.2.
Variant type: single nucleotide variant.
Coding change: c.982A>G on transcript NM_014003.4 (MANE Select); coding-DNA position 982, A replaced by G.
Protein change: p.Met328Val; replaces methionine 328 with valine.
Molecular consequence: missense variant.
Genome position (GRCh38, 1-based): chr16:72,099,753, A>G. VCF-style: chr16-72099753-A-G. GRCh37 (hg19) VCF-style: chr16-72133652-A-G.
Other names: short protein forms M328V.
Identifiers: ClinVar variation 2998461 (VCV002998461.1), dbSNP rs371891907, ClinGen allele CA8160168.

ClinVar aggregate classification (germline): Uncertain significance (1 of 4 stars; one submission).

Allele frequency attached by ClinVar (database versions not stated): gnomAD exomes below 0.00001; ExAC 0.00001; gnomAD 0.00001; TOPMed 0.00001; ESP Exome Variant Server 0.00008.

Submission:

Labcorp Genetics (formerly Invitae), Labcorp
Classification: Uncertain significance. Last evaluated: 2023-12-09. Review status: criteria provided, single submitter. Criteria: Invitae Variant Classification Sherloc (09022015). Collection method: clinical testing. Allele origin: germline.
Comment: This sequence change replaces methionine, which is neutral and non-polar, with valine, which is neutral and non-polar, at codon 328 of the DHX38 protein (p.Met328Val). This variant is present in population databases (rs371891907, gnomAD 0.004%). This variant has not been reported in the literature in individuals affected with DHX38-related conditions. Advanced modeling of protein sequence and biophysical properties (such as structural, functional, and spatial information, amino acid conservation, physicochemical variation, residue mobility, and thermodynamic stability) performed at Invitae indicates that this missense variant is not expected to disrupt DHX38 protein function with a negative predictive value of 80%. In summary, the available evidence is currently insufficient to determine the role of this variant in disease. Therefore, it has been classified as a Variant of Uncertain Significance.